The following is an entry in ClinVar:

NM_002470.4(MYH3):c.3831G>C (p.Gln1277His)

Gene: MYH3 (myosin heavy chain 3; minus strand). Cytogenetic location: 17p13.1.
Variant type: single nucleotide variant.
Coding change: c.3831G>C on transcript NM_002470.4 (MANE Select); coding-DNA position 3831, G replaced by C.
Protein change: p.Gln1277His; replaces glutamine 1277 with histidine.
Molecular consequence: missense variant.
Genome position (GRCh38, 1-based): chr17:10,637,834, C>G on the plus strand (G>C on the coding strand, the complement: MYH3 is on the minus strand). VCF-style: chr17-10637834-C-G. GRCh37 (hg19) VCF-style: chr17-10541151-C-G.
Other names: short protein forms Q1277H.
Identifiers: ClinVar variation 1384598 (VCV001384598.8), dbSNP rs764398216, ClinGen allele CA8392399.
Genomic context (GRCh38, chr17:10,637,834, plus strand): 5'-GTTTTGGCCCCACGGGTTTTCTGCACGTGGCTTACCAGCCTCGGTCTGCAAACGAGACTT[C>G]TGTGTGGTCAGCTCGCTCAGGCTCCTCTGAATTTCCTCATTCTTGCCCCTGGCCTCACTT-3'
Protein context (NP_002461.2, residues 1267-1287): IQRSLSELTT[Gln1277His]KSRLQTEAGE

ClinVar aggregate classification (germline): Uncertain significance (1 of 4 stars; one submission).

Allele frequency attached by ClinVar (database versions not stated): gnomAD exomes below 0.00001; ExAC 0.00001; TOPMed 0.00001; gnomAD 0.00002.
gnomAD v4.1: 4 of 1,614,062 alleles (0.00025%); highest among the groups gnomAD compares: African/African-American, 0.0053%; no homozygotes.

Submission:

Labcorp Genetics (formerly Invitae), Labcorp
Classification: Uncertain significance. Last evaluated: 2024-04-15. Review status: criteria provided, single submitter. Criteria: Invitae Variant Classification Sherloc (09022015). Collection method: clinical testing. Allele origin: germline.
Comment: This sequence change replaces glutamine, which is neutral and polar, with histidine, which is basic and polar, at codon 1277 of the MYH3 protein (p.Gln1277His). This variant is present in population databases (rs764398216, gnomAD 0.01%). This variant has not been reported in the literature in individuals affected with MYH3-related conditions. ClinVar contains an entry for this variant (Variation ID: 1384598). Advanced modeling of protein sequence and biophysical properties (such as structural, functional, and spatial information, amino acid conservation, physicochemical variation, residue mobility, and thermodynamic stability) performed at Invitae indicates that this missense variant is not expected to disrupt MYH3 protein function with a negative predictive value of 95%. In summary, the available evidence is currently insufficient to determine the role of this variant in disease. Therefore, it has been classified as a Variant of Uncertain Significance.